The following is an entry in ClinVar:

ClinVar aggregate classification (germline): Uncertain significance (1 of 4 stars; one submission).

Submission:

Labcorp Genetics (formerly Invitae), Labcorp
Classification: Uncertain significance. Last evaluated: 2024-07-30. Review status: criteria provided, single submitter. Criteria: Invitae Variant Classification Sherloc (09022015). Collection method: clinical testing. Allele origin: germline.
Comment: This sequence change replaces arginine, which is basic and polar, with glycine, which is neutral and non-polar, at codon 275 of the XRCC4 protein (p.Arg275Gly). This variant is not present in population databases (gnomAD no frequency). This variant has not been reported in the literature in individuals affected with XRCC4-related conditions. Advanced modeling of protein sequence and biophysical properties (such as structural, functional, and spatial information, amino acid conservation, physicochemical variation, residue mobility, and thermodynamic stability) performed at Invitae indicates that this missense variant is not expected to disrupt XRCC4 protein function with a negative predictive value of 80%. In summary, the available evidence is currently insufficient to determine the role of this variant in disease. Therefore, it has been classified as a Variant of Uncertain Significance.

NM_003401.5(XRCC4):c.823C>G (p.Arg275Gly)

Gene: XRCC4 (X-ray repair cross complementing 4; plus strand). Cytogenetic location: 5q14.2.
Variant type: single nucleotide variant.
Coding change: c.823C>G on transcript NM_003401.5 (MANE Select); coding-DNA position 823, C replaced by G.
Protein change: p.Arg275Gly; replaces arginine 275 with glycine.
Molecular consequence: missense variant.
Genome position (GRCh38, 1-based): chr5:83,258,607, C>G. VCF-style: chr5-83258607-C-G. GRCh37 (hg19) VCF-style: chr5-82554426-C-G.
Other names: c.823C>G, p.Arg275Gly (NM_001318012.3, NM_001318013.2, NM_022406.5 and 1 more transcripts); short protein forms R275G.
Identifiers: ClinVar variation 4744401 (VCV004744401.1).
Genomic context (GRCh38, chr5:83,258,607, plus strand): 5'-GATTCCATTATTTCAAGTCTTGATGTCACTGATATTGCACCAAGTAGAAAAAGGAGACAG[C>G]GAATGCAAAGAAATCTTGGGACAGAACCTAAAATGGCTCCTCAGGAGAATCAGCTTCAAG-3'
Protein context (NP_003392.1, residues 265-285): DIAPSRKRRQ[Arg275Gly]MQRNLGTEPK